The following is an entry in ClinVar:

ClinVar aggregate classification (germline): Pathogenic (1 of 4 stars; one submission).

Conditions:
Ataxia-telangiectasia syndrome (AT). Also called: Ataxia-telangiectasia; Cerebello-oculocutaneous telangiectasia; Immunodeficiency with ataxia telangiectasia; ATAXIA-TELANGIECTASIA, COMPLEMENTATION GROUP A; ATAXIA-TELANGIECTASIA, FRESNO VARIANT; Ataxia-telangiectasia, complementation group D. Identifiers: Orphanet 100, MedGen C0004135, MONDO:0008840, OMIM 208900.

Submission:

Labcorp Genetics (formerly Invitae), Labcorp
Classification: Pathogenic for Ataxia-telangiectasia syndrome. Last evaluated: 2016-05-16. Review status: criteria provided, single submitter. Criteria: Invitae Variant Classification Sherloc (09022015). Collection method: clinical testing. Allele origin: germline.
Comment: This variant is a gross deletion of the genomic region encompassing exons 24-29 of the ATM gene. This creates a premature translational stop signal and is expected to result in an absent or disrupted protein product. While this particular variant has not been reported in the literature, gross deletions and truncating variants in ATM are known to be pathogenic (PMID: 25614872, 23807571). For these reasons, this variant has been classified as Pathogenic.

NC_000011.10:g.(?_108280995)_(108289801_?)del

Gene: ATM (ATM serine/threonine kinase; plus strand). Cytogenetic location: 11q22.3.
Variant type: Deletion.
Identifiers: ClinVar variation 417587 (VCV000417587.1).